The following is an entry in ClinVar:

NM_020134.4(DPYSL5):c.1227C>T (p.Ala409=)

Gene: DPYSL5 (dihydropyrimidinase like 5; plus strand). Cytogenetic location: 2p23.3.
Variant type: single nucleotide variant.
Coding change: c.1227C>T on transcript NM_020134.4 (MANE Select); coding-DNA position 1227, C replaced by T.
Protein change: p.Ala409=; no amino-acid change (alanine 409 retained).
Molecular consequence: synonymous variant.
Genome position (GRCh38, 1-based): chr2:26,942,087, C>T. VCF-style: chr2-26942087-C-T. GRCh37 (hg19) VCF-style: chr2-27164955-C-T.
Other names: c.1227C>T, p.Ala409= (NM_001253723.2, NM_001253724.2).
Identifiers: ClinVar variation 4823120 (VCV004823120.4).

ClinVar aggregate classification (germline): Likely benign (1 of 4 stars; one submission).

Submission:

CeGaT Center for Human Genetics Tuebingen
Classification: Likely benign. Last evaluated: 2026-01-01. Review status: criteria provided, single submitter. Criteria: CeGaT Center For Human Genetics Tuebingen Variant Classification Criteria Version 2. Collection method: clinical testing. Allele origin: germline. Affected: yes. Observed: 1 variant allele.
Comment: DPYSL5: PM2:Supporting, BP4, BP7